The following is an entry in ClinVar:

ClinVar aggregate classification (germline): Likely benign. Review status: criteria provided, multiple submitters, no conflicts (2 of 4 stars). 2 submissions from 2 submitters: Likely benign (2). Last evaluated 2026-06-20.

Conditions:
Hereditary cancer-predisposing syndrome. Also called: Neoplastic Syndromes, Hereditary; Tumor predisposition; Hereditary Cancer Syndrome; Hereditary neoplastic syndrome. Identifiers: Orphanet 140162, MedGen C0027672, MeSH D009386, MONDO:0015356.

gnomAD v4.1: 1 of 1,612,540 alleles (0.000062%); highest among the groups gnomAD compares: Non-Finnish European, 0.000085%; no homozygotes.

Submissions (2):

Ambry Genetics
Classification: Likely benign for Hereditary cancer-predisposing syndrome. Last evaluated: 2026-06-20. Review status: criteria provided, single submitter. Criteria: Ambry Variant Classification Scheme 2023. Collection method: clinical testing. Allele origin: germline.

CeGaT Center for Human Genetics Tuebingen
Classification: Likely benign. Last evaluated: 2025-08-01. Review status: criteria provided, single submitter. Criteria: CeGaT Center For Human Genetics Tuebingen Variant Classification Criteria Version 2. Collection method: clinical testing. Allele origin: germline. Affected: yes. Observed: 1 variant allele.
Comment: SMARCA4: BP4, BP7

NM_003072.5(SMARCA4):c.4056G>C (p.Ala1352=)

Gene: SMARCA4 (SWI/SNF related BAF chromatin remodeling complex subunit ATPase 4; plus strand). Cytogenetic location: 19p13.2.
Variant type: single nucleotide variant.
Coding change: c.4056G>C on transcript NM_003072.5 (MANE Select); coding-DNA position 4056, G replaced by C.
Protein change: p.Ala1352=; no amino-acid change (alanine 1352 retained).
Molecular consequence: synonymous variant. On other transcripts: non-coding transcript variant (1).
Genome position (GRCh38, 1-based): chr19:11,035,018, G>C. VCF-style: chr19-11035018-G-C. GRCh37 (hg19) VCF-style: chr19-11145694-G-C.
Other names: c.4056G>C, p.Ala1352= (NM_001128844.3, NM_001128849.3, NM_001387283.1); c.3957G>C, p.Ala1319= (NM_001128845.2, NM_001128846.2, NM_001128847.4 and 3 more transcripts); c.4056G>C (NM_001128849.1).
Identifiers: ClinVar variation 4084816 (VCV004084816.9).
Genomic context (GRCh38, chr19:11,035,018, plus strand): 5'-GCGGAAGCCGCGCCTCATGGAGGAGGACGAGCTCCCCTCGTGGATCATCAAGGACGACGC[G>C]GAGGTGGAGCGGCTGACCTGTGAGGAGGAGGAGGAGAAGATGTTCGGCCGTGGCTCCCGC-3'
Protein context (NP_003063.2, residues 1342-1362): ELPSWIIKDD[Ala1352=]EVERLTCEEE